The following is an entry in ClinVar:

ClinVar aggregate classification (germline): Benign. Review status: criteria provided, multiple submitters, no conflicts (2 of 4 stars). 4 submissions from 4 submitters: Benign (3). 1 of the submissions does not count toward it. Last evaluated 2026-01-26.

Conditions:
RINT1-related disorder. Also called: RINT1-related condition.

Allele frequency attached by ClinVar (database versions not stated): gnomAD exomes 0.00140 and 0.00410; ExAC 0.00485; gnomAD 0.01502 and 0.01617; 1000 Genomes Project 30x 0.01577; 1000 Genomes Project 0.01617; TOPMed 0.01664; ESP Exome Variant Server 0.01799.
gnomAD v4.1: 4,357 of 1,586,976 alleles (0.27%); highest among the groups gnomAD compares: African/African-American, 5.4%; 110 homozygotes.

Submissions (8):

Labcorp Genetics (formerly Invitae), Labcorp
Classification: Benign. Last evaluated: 2026-01-26. Review status: criteria provided, single submitter. Criteria: Invitae Variant Classification Sherloc (09022015). Collection method: clinical testing. Allele origin: germline.

Ambry Genetics
Classification: Benign. Last evaluated: 2020-07-30. Review status: criteria provided, single submitter. Criteria: Ambry Variant Classification Scheme 2023. Collection method: clinical testing. Allele origin: germline.

Breakthrough Genomics
Classification: Benign. Review status: criteria provided, single submitter. Criteria: ACMG Guidelines, 2015. Collection method: not provided. Allele origin: germline. Inheritance: Autosomal recessive inheritance. Affected: yes.

PreventionGenetics, part of Exact Sciences
Classification: Benign for RINT1-related condition. Last evaluated: 2019-03-04. Review status: no assertion criteria provided. Collection method: clinical testing. Allele origin: germline. Not counted in ClinVar's aggregate classification.
Comment: This variant is classified as benign based on ACMG/AMP sequence variant interpretation guidelines (Richards et al. 2015 PMID: 25741868, with internal and published modifications).

Dr. Peter K. Rogan Lab, Western University
No classification provided (evidence only). Condition: Acute myeloid leukemia. Review status: no classification provided. Collection method: in vitro. Allele origin: not applicable. Functional consequence: retained intron. Not counted in ClinVar's aggregate classification.

Dr. Peter K. Rogan Lab, Western University
No classification provided (evidence only). Condition: Thyroid cancer, nonmedullary, 1. Review status: no classification provided. Collection method: in vitro. Allele origin: not applicable. Functional consequence: retained intron. Not counted in ClinVar's aggregate classification.

Dr. Peter K. Rogan Lab, Western University
No classification provided (evidence only). Condition: Uterine corpus endometrial carcinoma. Review status: no classification provided. Collection method: in vitro. Allele origin: not applicable. Functional consequence: skipped exon, retained intron. Not counted in ClinVar's aggregate classification.

Dr. Peter K. Rogan Lab, Western University
No classification provided (evidence only). Condition: Cervical cancer. Review status: no classification provided. Collection method: in vitro. Allele origin: not applicable. Functional consequence: retained intron. Not counted in ClinVar's aggregate classification.

NM_021930.6(RINT1):c.2370T>C (p.Thr790=)

Genes: EFCAB10 (EF-hand calcium binding domain 10; minus strand), RINT1 (RAD50 interactor 1; plus strand). Cytogenetic location: 7q22.3.
Variant type: single nucleotide variant.
Coding change: c.2370T>C on transcript NM_021930.6 (MANE Select); coding-DNA position 2370, T replaced by C.
Protein change: p.Thr790=; no amino-acid change (threonine 790 retained).
Molecular consequence: synonymous variant. On other transcripts: 3 prime UTR variant (2), non-coding transcript variant (1), intron variant (3).
Genome position (GRCh38, 1-based): chr7:105,567,302, T>C. VCF-style: chr7-105567302-T-C. GRCh37 (hg19) VCF-style: chr7-105207749-T-C.
Other names: c.*152A>G (NM_001355527.2, NM_001355529.2); c.2136T>C, p.Thr712= (NM_001346599.2); c.1347T>C, p.Thr449= (NM_001346600.2, NM_001346603.2); c.1446T>C, p.Thr482= (NM_001346601.2); c.360-1855A>G (NM_001355531.2); c.383+165A>G (NM_001355526.2, NM_001355530.2).
Identifiers: ClinVar variation 224935 (VCV000224935.18), dbSNP rs36058979, ClinGen allele CA357843.